The following is an entry in ClinVar:

NM_000096.4(CP):c.438T>A (p.Asp146Glu)

Gene: CP (ceruloplasmin; minus strand). Cytogenetic location: 3q25.1.
Variant type: single nucleotide variant.
Coding change: c.438T>A on transcript NM_000096.4 (MANE Select); coding-DNA position 438, T replaced by A.
Protein change: p.Asp146Glu; replaces aspartic acid 146 with glutamic acid.
Molecular consequence: missense variant. On other transcripts: non-coding transcript variant (1).
Genome position (GRCh38, 1-based): chr3:149,210,336, A>T on the plus strand (T>A on the coding strand, the complement: CP is on the minus strand). VCF-style: chr3-149210336-A-T. GRCh37 (hg19) VCF-style: chr3-148928123-A-T.
Other names: c.438T>A (NM_000096.3); short protein forms D146E.
Identifiers: ClinVar variation 2201413 (VCV002201413.5), dbSNP rs778389238, ClinGen allele CA2661314.

ClinVar aggregate classification (germline): Uncertain significance. Review status: criteria provided, multiple submitters, no conflicts (2 of 4 stars). 2 submissions from 2 submitters: Uncertain significance (2). Last evaluated 2025-04-03.

Conditions:
Deficiency of ferroxidase (ACEP). Also called: Deficiency of ceruloplasmin; NEURODEGENERATION WITH BRAIN IRON ACCUMULATION 10; Ceruloplasmin deficiency; Familial apoceruloplasmin deficiency; Hereditary ceruloplasmin deficiency; Aceruloplasminemia. Identifiers: Orphanet 48818, MedGen C0878682, MONDO:0011426, OMIM 604290, HP:0025498.
Inborn genetic diseases. Identifiers: MedGen C0950123, MeSH D030342.

Allele frequency attached by ClinVar (database versions not stated): ExAC 0.00001; gnomAD 0.00001.
gnomAD v4.1: 9 of 1,614,006 alleles (0.00056%); highest among the groups gnomAD compares: Non-Finnish European, 0.00076%; no homozygotes.

Submissions (2):

Ambry Genetics
Classification: Uncertain significance for Inborn genetic diseases. Last evaluated: 2025-04-03. Review status: criteria provided, single submitter. Criteria: Ambry Variant Classification Scheme 2023. Collection method: clinical testing. Allele origin: germline.

Labcorp Genetics (formerly Invitae), Labcorp
Classification: Uncertain significance for Deficiency of ferroxidase. Last evaluated: 2023-08-30. Review status: criteria provided, single submitter. Criteria: Invitae Variant Classification Sherloc (09022015). Collection method: clinical testing. Allele origin: germline.
Comment: In summary, the available evidence is currently insufficient to determine the role of this variant in disease. Therefore, it has been classified as a Variant of Uncertain Significance. Advanced modeling of protein sequence and biophysical properties (such as structural, functional, and spatial information, amino acid conservation, physicochemical variation, residue mobility, and thermodynamic stability) performed at Invitae indicates that this missense variant is expected to disrupt CP protein function. ClinVar contains an entry for this variant (Variation ID: 2201413). This variant has not been reported in the literature in individuals affected with CP-related conditions. This variant is present in population databases (rs778389238, gnomAD 0.002%). This sequence change replaces aspartic acid, which is acidic and polar, with glutamic acid, which is acidic and polar, at codon 146 of the CP protein (p.Asp146Glu).